The following is an entry in ClinVar:

NM_016507.4(CDK12):c.380A>C (p.Gln127Pro)

Genes: CDK12 (cyclin dependent kinase 12; plus strand), LOC126862553 (CDK7 strongly-dependent group 2 enhancer GRCh37_chr17:37618166-37619365; plus strand). Cytogenetic location: 17q12.
Variant type: single nucleotide variant.
Coding change: c.380A>C on transcript NM_016507.4 (MANE Select); coding-DNA position 380, A replaced by C.
Protein change: p.Gln127Pro; replaces glutamine 127 with proline.
Molecular consequence: missense variant.
Genome position (GRCh38, 1-based): chr17:39,462,451, A>C. VCF-style: chr17-39462451-A-C. GRCh37 (hg19) VCF-style: chr17-37618704-A-C.
Other names: c.380A>C, p.Gln127Pro (NM_015083.4); short protein forms Q127P.
Identifiers: ClinVar variation 3830598 (VCV003830598.1).

ClinVar aggregate classification (germline): Uncertain significance (1 of 4 stars; one submission).

gnomAD v4.1: 16 of 1,614,020 alleles (0.00099%); highest among the groups gnomAD compares: Admixed American, 0.0033%; no homozygotes.

Submission:

Ambry Genetics
Classification: Uncertain significance. Last evaluated: 2025-02-03. Review status: criteria provided, single submitter. Criteria: Ambry Variant Classification Scheme 2023. Collection method: clinical testing. Allele origin: germline.
Comment: The p.Q127P variant (also known as c.380A>C), located in coding exon 1 of the CDK12 gene, results from an A to C substitution at nucleotide position 380. The glutamine at codon 127 is replaced by proline, an amino acid with similar properties. This amino acid position is conserved. In addition, this alteration is predicted to be tolerated by in silico analysis. Based on the available evidence, the clinical significance of this variant remains unclear.